The following continues an entry in ClinVar:

NM_000059.4(BRCA2):c.8167G>C (p.Asp2723His)

Gene: BRCA2. ClinVar aggregate classification (germline): Pathogenic. Pathogenic (1).

Submissions 10 to 18 of 38:

Ambry Genetics
Classification: Pathogenic for Hereditary cancer-predisposing syndrome. Last evaluated: 2025-04-24. Review status: criteria provided, single submitter. Criteria: Ambry Variant Classification Scheme 2023. Collection method: clinical testing. Allele origin: germline. Not counted in ClinVar's aggregate classification.
Comment: The p.D2723H pathogenic mutation (also known as c.8167G>C), located in coding exon 17 of the BRCA2 gene, results from a G to C substitution at nucleotide position 8167. The aspartic acid at codon 2723 is replaced by histidine, an amino acid with some similar properties. This alteration has been classified as pathogenic (p>0.99) by multifactorial analysis, which integrates the following lines of evidence to produce a quantitative likelihood of pathogenicity: in silico prediction models, segregation with disease, tumor characteristics, and mutation co-occurrence (Goldgar DE et al. Am. J. Hum. Genet. 2004 Oct;75:535-44; Easton DF et al. Am. J. Hum. Genet. 2007 Nov;81:873-83; Tavtigian SV et al. Hum. Mutat. 2008 Nov;29:1342-54; Karchin R et al. Cancer Inform. 2008 Apr;6:203-16; Lindor NM et al. Hum. Mutat. 2012 Jan;33:8-21; Vallee MP et al. Hum. Mutat. 2012 Jan;33:22-8). Moreover, functional studies have shown that this alteration affects the DNA repair function of BRCA2 (Wu K et al. Cancer Res. 2005 Jan;65:417-26; Farrugia DJ et al. Cancer Res. 2008 May;68:3523-31; Kuznetsov SG et al. Nat. Med. 2008 Aug;14:875&ndash;881; Guidugli L et al. Cancer Res. 2013 Jan;73:265-75; Guidugli L et al. Am. J. Hum. Genet. 2018 Feb;102:233-248). Additionally, this alteration has been detected in multiple hereditary breast and ovarian cancer families, including families with male breast cancer (Pages S et al. Br. J. Cancer. 2001 Feb;84:482-8; Goldgar DE et al. Am. J. Hum. Genet. 2004 Oct;75:535-44; Wu K et al. Cancer Res. 2005 Jan;65:417-26; Solano AR et al. Springerplus. 2012 Sep;1:20; Meisel C et al. Arch. Gynecol. Obstet. 2017 May;295:1227-1238). Of note, this alteration is also designated as 8395G>C in published literature. Based on the available evidence, this alteration is classified as a pathogenic mutation.

German Consortium for Hereditary Breast and Ovarian Cancer, University Hospital Cologne
Classification: Pathogenic for Hereditary breast ovarian cancer syndrome. Last evaluated: 2025-04-07. Review status: criteria provided, single submitter. Criteria: ClinGen BRCA2 V1.1.0. Collection method: curation. Allele origin: germline. Not counted in ClinVar's aggregate classification.
Comment: According to the ClinGen ENIGMA BRCA2 v1.1.0 criteria we chose these criteria: PS3 (strong pathogenic): ENIGMA Table 9; Reported by three calibrated studies to exhibit protein function similar to pathogenic control variants (PMIDs:29988080, 33609447, 32444794), PP1 (very strong pathogenic): Goldgar 2004 (PMID: 15290653 Table 2): Cosegregation 13,731 / Co-occurrence 2.0, PP3 (supporting pathogenic): BayesDel no-AF: 0.5796, PP4 (strong pathogenic): LR: 79.25654 (USCS combined LR)

Institute of Human Genetics, University of Leipzig Medical Center
Classification: Pathogenic for Breast-ovarian cancer, familial, susceptibility to, 2. Last evaluated: 2025-03-24. Review status: criteria provided, single submitter. Criteria: ACMG Guidelines, 2015. Collection method: clinical testing. Allele origin: unknown. Inheritance: Autosomal dominant inheritance. Affected: yes. Not counted in ClinVar's aggregate classification.
Comment: Criteria applied: PS3,PP4_STR,PP1_MOD,PP3

Quest Diagnostics Nichols Institute San Juan Capistrano
Classification: Pathogenic. Last evaluated: 2025-03-11. Review status: criteria provided, single submitter. Criteria: Quest Diagnostics criteria. Collection method: clinical testing. Allele origin: unknown. Not counted in ClinVar's aggregate classification.
Comment: The BRCA2 c.8167G>C (p.Asp2723His) variant has been reported in the published literature in individuals with a personal and/or family history of breast and/or ovarian cancer (PMID: 16489001 (2006), 15290653 (2004)), prostate cancer (PMID: 38711401 (2024), 18182994 (2008)), lung cancer (PMID: 38295319 (2024)), and gynecological cancer (PMID: 37310942 (2023)). In addition, this variant has been reported to have a deleterious effect on BRCA2 protein function in numerous studies (PMID: 39779848 (2025), 35736817 (2022), 29394989 (2018), 25146914 (2014), 23108138 (2013), 24013206 (2013), 18451181 (2008), 18607349 (2008), 16978908 (2007), 15695382 (2005)). The frequency of this variant in the general population (Genome Aggregation Database) is consistent with pathogenicity. Analysis of this variant using bioinformatics tools for the prediction of the effect of amino acid changes on protein structure and function yielded predictions that this variant is damaging. Based on the available information, this variant is classified as pathogenic.

Molecular Pathology, Peter Maccallum Cancer Centre
Classification: Pathogenic for Breast-ovarian cancer, familial, susceptibility to, 2. Last evaluated: 2025-02-11. Review status: criteria provided, single submitter. Criteria: ACMG Guidelines, 2015. Collection method: clinical testing. Allele origin: germline. Inheritance: Autosomal dominant inheritance. Not counted in ClinVar's aggregate classification.

Baylor Genetics
Classification: Pathogenic for Familial cancer of breast. Last evaluated: 2024-03-12. Review status: criteria provided, single submitter. Criteria: ACMG Guidelines, 2015. Collection method: clinical testing. Allele origin: unknown. Not counted in ClinVar's aggregate classification.

All of Us Research Program, National Institutes of Health
Classification: Pathogenic for Breast-ovarian cancer, familial, susceptibility to, 2. Last evaluated: 2023-07-08. Review status: criteria provided, single submitter. Criteria: ACMG Guidelines, 2015. Collection method: clinical testing. Allele origin: germline. Inheritance: Autosomal dominant inheritance. Observed: 3 variant alleles, 3 heterozygotes. Not counted in ClinVar's aggregate classification.
Comment: This missense variant replaces aspartic acid with histidine at codon 2723 in the DNA binding domain of the BRCA2 protein. Computational prediction suggests that this variant may have deleterious impact on protein structure and function (internally defined REVEL score threshold >= 0.7, PMID: 27666373). Functional studies have shown that this variant causes the mislocalization of BRCA2 to the cytoplasm (PMID: 15695382, 18607349, 24013206) and disrupts BRCA2 function, including homology-directed DNA repair activity (PMID: 15695382, 18607349, 19043619, 23108138, 25146914). This variant has been reported in over a dozen individuals affected with breast and/or ovarian cancer (PMID: PMID: 11207042, 23961350, 24052750, 24728189, 33471991; Leiden Open Variation Database DB-ID BRCA2_000290) and with prostate cancer (PMID: 23569316). Multifactorial analyses based on numerous individuals' personal and family history of cancer and tumor pathology have determined this variant to be disease-causing (PMID: 15290653, 16489001, 18451181, 25085752). This variant has not been identified in the general population by the Genome Aggregation Database (gnomAD). A different missense variant at the same codon, p.Asp2723Gly, is known to be pathogenic (Clinvar variation ID: 38141), indicating that arginine at this position is important for BRCA2 function. Based on the available evidence, this variant is classified as Pathogenic.

This study involves interpretation of variants in research participants for the purpose of population health screening. Participant phenotype was not available at the time of variant classification. Additional details can be found in publication PMID: 35346344, PMCID: PMC8962531

CHEO Genetics Diagnostic Laboratory, Children's Hospital of Eastern Ontario
Classification: Pathogenic for Breast and/or ovarian cancer. Last evaluated: 2023-06-29. Review status: criteria provided, single submitter. Criteria: ACMG Guidelines, 2015. Collection method: clinical testing. Allele origin: germline. Not counted in ClinVar's aggregate classification.

ARUP Laboratories, Molecular Genetics and Genomics, ARUP Laboratories
Classification: Pathogenic. Last evaluated: 2023-05-08. Review status: criteria provided, single submitter. Criteria: ARUP Molecular Germline Variant Investigation Process 2024. Collection method: clinical testing. Allele origin: germline. Not counted in ClinVar's aggregate classification.
Comment: The BRCA2 c.8167G>C; p.Asp2723His variant (rs41293511), is reported in the literature in several individuals affected with breast and ovarian cancer (Goldgar 2004, Pages 2001, Wu 2005). Functional analyses of BRCA2 protein carrying this variant demonstrate centrosome amplification and aberrant subcellular localization resulting in defective DNA repair on exposure to gamma irradiation and mitomycin-c (Carvalho 2007, Goldgar 2004, Wu 2005). Furthermore, BRCA2 Asp2723His variant has been shown to interfere with the nuclear localization of RAD51, another key DNA repair protein (Jeyasekharan 2013). This variant is reported as pathogenic by several laboratories in ClinVar (Variation ID: 52515). It is absent from the Genome Aggregation Database, indicating it is not a common polymorphism. Computational analyses predict that this variant is deleterious (REVEL: 0.932). Several alternative changes at this amino acid location (p.Asp2723Gly, p.Asp2723Ala, p.Asp2723Val) that are predicted to be pathogenic have also been reported in patients with breast and ovarian cancer (Guidugli 2018). Based on available information, the p.Asp2723His variant is considered to be pathogenic. References: Carvalho MA et al. Functional assays for BRCA1 and BRCA2. Int J Biochem Cell Biol. 2007;39(2):298-310. Goldgar DE et al. Integrated evaluation of DNA sequence variants of unknown clinical significance: application to BRCA1 and BRCA2. Am J Hum Genet. 2004 Oct;75(4):535-44. Guidugli L et al. Assessment of the Clinical Relevance of BRCA2 Missense Variants by Functional and Computational Approaches. Am J Hum Genet. 2018 Feb 1;102(2):233-248. Jeyasekharan AD et al. A cancer-associated BRCA2 mutation reveals masked nuclear export signals controlling localization. Nat Struct Mol Biol. 2013 Oct;20(10):1191-8. Pages S et al. Screening of male breast cancer and of breast-ovarian cancer families for BRCA2 mutations using large bifluorescent amplicons. Br J Cancer. 2001 Feb;84(4):482-8. Wu K et al. Functional evaluation and cancer risk assessment of BRCA2 unclassified variants. Cancer Res. 2005 Jan 15;65(2):417-26.